The following is an entry in ClinVar:

NM_001371928.1(AHDC1):c.2837A>C (p.Lys946Thr)

Gene: AHDC1 (AT-hook DNA binding motif containing 1; minus strand). Cytogenetic location: 1p36.11.
Variant type: single nucleotide variant.
Coding change: c.2837A>C on transcript NM_001371928.1 (MANE Select); coding-DNA position 2837, A replaced by C.
Protein change: p.Lys946Thr; replaces lysine 946 with threonine.
Molecular consequence: missense variant.
Genome position (GRCh38, 1-based): chr1:27,549,279, T>G on the plus strand (A>C on the coding strand, the complement: AHDC1 is on the minus strand). VCF-style: chr1-27549279-T-G. GRCh37 (hg19) VCF-style: chr1-27875790-T-G.
Other names: c.2837A>C, p.Lys946Thr (NM_001029882.3); short protein forms K946T.
Identifiers: ClinVar variation 4699213 (VCV004699213.1).

ClinVar aggregate classification (germline): Uncertain significance (1 of 4 stars; one submission).

gnomAD v4.1: 1 of 1,603,470 alleles (0.000062%); highest among the groups gnomAD compares: Non-Finnish European, 0.000085%; no homozygotes.

Submission:

Labcorp Genetics (formerly Invitae), Labcorp
Classification: Uncertain significance. Last evaluated: 2025-04-28. Review status: criteria provided, single submitter. Criteria: Invitae Variant Classification Sherloc (09022015). Collection method: clinical testing. Allele origin: germline.
Comment: This sequence change replaces lysine, which is basic and polar, with threonine, which is neutral and polar, at codon 946 of the AHDC1 protein (p.Lys946Thr). This variant is not present in population databases (gnomAD no frequency). This variant has not been reported in the literature in individuals affected with AHDC1-related conditions. An algorithm developed to predict the effect of missense changes on protein structure and function (PolyPhen-2) suggests that this variant is likely to be disruptive. In summary, the available evidence is currently insufficient to determine the role of this variant in disease. Therefore, it has been classified as a Variant of Uncertain Significance.